The following is an entry in ClinVar:

ClinVar aggregate classification (germline): Uncertain significance (1 of 4 stars; one submission).

Conditions:
Noonan syndrome 9 (NS9). Identifiers: Orphanet 648, MedGen C4225282, MONDO:0014691, OMIM 616559.

Submission:

Labcorp Genetics (formerly Invitae), Labcorp
Classification: Uncertain significance for Noonan syndrome 9. Last evaluated: 2017-01-26. Review status: criteria provided, single submitter. Criteria: Invitae Variant Classification Sherloc (09022015). Collection method: clinical testing. Allele origin: germline.
Comment: This sequence change replaces threonine with proline at codon 1261 of the SOS2 protein (p.Thr1261Pro). The threonine residue is highly conserved and there is a small physicochemical difference between threonine and proline. This variant is not present in population databases (ExAC no frequency) and has not been reported in the literature in individuals with a SOS2-related disease. Algorithms developed to predict the effect of missense changes on protein structure and function do not agree on the potential impact of this missense change (SIFT: "Deleterious"; PolyPhen-2: "Possibly Damaging"; Align-GVGD: "Class C0"). In summary, this variant is a novel missense change with uncertain impact on protein function. It has been classified as a Variant of Uncertain Significance.

NM_006939.4(SOS2):c.3781A>C (p.Thr1261Pro)

Gene: SOS2 (SOS Ras/Rho guanine nucleotide exchange factor 2; minus strand). Cytogenetic location: 14q21.3.
Variant type: single nucleotide variant.
Coding change: c.3781A>C on transcript NM_006939.4 (MANE Select); coding-DNA position 3781, A replaced by C.
Protein change: p.Thr1261Pro; replaces threonine 1261 with proline.
Molecular consequence: missense variant.
Genome position (GRCh38, 1-based): chr14:50,118,562, T>G on the plus strand (A>C on the coding strand, the complement: SOS2 is on the minus strand). VCF-style: chr14-50118562-T-G. GRCh37 (hg19) VCF-style: chr14-50585280-T-G.
Other names: short protein forms T1261P.
Identifiers: ClinVar variation 475756 (VCV000475756.1), dbSNP rs1555367637, ClinGen allele CA389637807.